The following is an entry in ClinVar:

ClinVar aggregate classification (germline): Pathogenic (1 of 4 stars; one submission).

Submission:

Labcorp Genetics (formerly Invitae), Labcorp
Classification: Pathogenic. Last evaluated: 2025-04-17. Review status: criteria provided, single submitter. Criteria: Invitae Variant Classification Sherloc (09022015). Collection method: clinical testing. Allele origin: germline.
Comment: This sequence change affects an acceptor splice site in intron 15 of the CACNA1F gene. It is expected to disrupt RNA splicing. Variants that disrupt the donor or acceptor splice site typically lead to a loss of protein function (PMID: 16199547), and loss-of-function variants in CACNA1F are known to be pathogenic (PMID: 9662399, 11281458, 17525176, 22194652, 24124559, 26992781). This variant is not present in population databases (gnomAD no frequency). Disruption of this splice site has been observed in individuals with CACNA1F-related conditions (PMID: 30825406; internal data). ClinVar contains an entry for this variant (Variation ID: 2863477). Algorithms developed to predict the effect of sequence changes on RNA splicing suggest that this variant may disrupt the consensus splice site. For these reasons, this variant has been classified as Pathogenic.

Literature cited by the submitters: PubMed 16199547; PubMed 9662399; PubMed 11281458; PubMed 17525176; PubMed 22194652; PubMed 24124559; PubMed 26992781; PubMed 30825406.

NM_001256789.3(CACNA1F):c.2086-2A>C

Gene: CACNA1F (calcium voltage-gated channel subunit alpha1 F; minus strand). Cytogenetic location: Xp11.23.
Variant type: single nucleotide variant.
Coding change: c.2086-2A>C on transcript NM_001256789.3 (MANE Select); the canonical splice acceptor site of the intron before coding-DNA position 2086, A replaced by C.
Molecular consequence: splice acceptor variant.
Genome position (GRCh38, 1-based): chrX:49,222,840, T>G on the plus strand (A>C on the coding strand, the complement: CACNA1F is on the minus strand). VCF-style: chrX-49222840-T-G. GRCh37 (hg19) VCF-style: chrX-49079299-T-G.
Other names: c.2119-2A>C (NM_005183.4); c.1924-2A>C (NM_001256790.3).
Identifiers: ClinVar variation 2863477 (VCV002863477.3), dbSNP rs1358925739, ClinGen allele CA412911242.